The following is an entry in ClinVar:

ClinVar aggregate classification (germline): Uncertain significance. Review status: criteria provided, single submitter (1 of 4 stars). 2 submissions from 2 submitters: Uncertain significance (1). 1 of the submissions does not count toward it. Last evaluated 2020-08-29.

Conditions:
CEP164-related disorder. Also called: CEP164-related condition.
Nephronophthisis 15 (NPHP15). Identifiers: Orphanet 3156, MedGen C3541853, MONDO:0013917, OMIM 614845.

Allele frequency attached by ClinVar (database versions not stated): gnomAD exomes below 0.00001.
gnomAD v4.1: 2 of 1,614,112 alleles (0.00012%); highest among the groups gnomAD compares: Non-Finnish European, 0.00017%; no homozygotes.

Submissions (2):

Labcorp Genetics (formerly Invitae), Labcorp
Classification: Uncertain significance for Nephronophthisis 15. Last evaluated: 2020-08-29. Review status: criteria provided, single submitter. Criteria: Invitae Variant Classification Sherloc (09022015). Collection method: clinical testing. Allele origin: germline.
Comment: This sequence change replaces lysine with arginine at codon 1217 of the CEP164 protein (p.Lys1217Arg). The lysine residue is highly conserved and there is a small physicochemical difference between lysine and arginine. This variant is not present in population databases (ExAC no frequency). This variant has not been reported in the literature in individuals with CEP164-related conditions. Algorithms developed to predict the effect of missense changes on protein structure and function (SIFT, PolyPhen-2, Align-GVGD) all suggest that this variant is likely to be disruptive, but these predictions have not been confirmed by published functional studies and their clinical significance is uncertain. In summary, the available evidence is currently insufficient to determine the role of this variant in disease. Therefore, it has been classified as a Variant of Uncertain Significance.

PreventionGenetics, part of Exact Sciences
Classification: Uncertain significance for CEP164-related condition. Last evaluated: 2024-08-16. Review status: no assertion criteria provided. Collection method: clinical testing. Allele origin: germline. Not counted in ClinVar's aggregate classification.
Comment: The CEP164 c.3650A>G variant is predicted to result in the amino acid substitution p.Lys1217Arg. To our knowledge, this variant has not been reported in the literature or in a large population database, indicating this variant is rare. At this time, the clinical significance of this variant is uncertain due to the absence of conclusive functional and genetic evidence.

NM_014956.5(CEP164):c.3650A>G (p.Lys1217Arg)

Gene: CEP164 (centrosomal protein 164; plus strand). Cytogenetic location: 11q23.3.
Variant type: single nucleotide variant.
Coding change: c.3650A>G on transcript NM_014956.5 (MANE Select); coding-DNA position 3650, A replaced by G.
Protein change: p.Lys1217Arg; replaces lysine 1217 with arginine.
Molecular consequence: missense variant.
Genome position (GRCh38, 1-based): chr11:117,408,930, A>G. VCF-style: chr11-117408930-A-G. GRCh37 (hg19) VCF-style: chr11-117279646-A-G.
Other names: c.3659A>G, p.Lys1220Arg (NM_001271933.2); c.3650A>G (NM_014956.4); short protein forms K1217R, K1220R.
Identifiers: ClinVar variation 1006913 (VCV001006913.9), dbSNP rs2047009414, ClinGen allele CA382742028.